The following is an entry in ClinVar:

ClinVar aggregate classification (germline): Likely pathogenic (0 of 4 stars; one submission).

Conditions:
Acromesomelic dysplasia 1, Maroteaux type (AMD1). Also called: ACROMESOMELIC DYSPLASIA 1; ST. HELENA DYSPLASIA. Identifiers: Orphanet 40, MedGen C1864356, MONDO:0011275, OMIM 602875.

Allele frequency attached by ClinVar (database versions not stated): gnomAD exomes below 0.00001.
gnomAD v4.1: 3 of 1,614,140 alleles (0.00019%); highest among the groups gnomAD compares: Non-Finnish European, 0.00025%; no homozygotes.

Submission:

Institute of Human Genetics, Cologne University
Classification: Likely pathogenic for Acromesomelic dysplasia 1, Maroteaux type. Last evaluated: 2019-10-23. Review status: no assertion criteria provided. Collection method: clinical testing. Allele origin: germline. Inheritance: Autosomal recessive inheritance. Affected: yes. Observed: 1 homozygote.
Comment: (According to Best Practice guidelines ACGS 2019)

NM_003995.4(NPR2):c.298G>A (p.Gly100Ser)

Gene: NPR2 (natriuretic peptide receptor 2; plus strand). Cytogenetic location: 9p13.3.
Variant type: single nucleotide variant.
Coding change: c.298G>A on transcript NM_003995.4 (MANE Select); coding-DNA position 298, G replaced by A.
Protein change: p.Gly100Ser; replaces glycine 100 with serine.
Molecular consequence: missense variant.
Genome position (GRCh38, 1-based): chr9:35,792,706, G>A. VCF-style: chr9-35792706-G-A. GRCh37 (hg19) VCF-style: chr9-35792703-G-A.
Other names: c.298G>A, p.Gly100Ser (NM_001378923.1); short protein forms G100S.
Identifiers: ClinVar variation 694580 (VCV000694580.2), dbSNP rs753644648, ClinGen allele CA373363024.
Genomic context (GRCh38, chr9:35,792,706, plus strand): 5'-GCACCGCTGAGCGCTGTGGACCTCAAGCTGTACCATGACCCCGACCTGCTGTTAGGTCCC[G>A]GTTGCGTGTACCCTGCTGCCTCTGTGGCCCGCTTTGCCTCCCACTGGCGCCTTCCCCTGC-3'
Protein context (NP_003986.2, residues 90-110): YHDPDLLLGP[Gly100Ser]CVYPAASVAR